The following is an entry in ClinVar:

ClinVar aggregate classification (germline): Uncertain significance (1 of 4 stars; one submission).

Conditions:
Dyskeratosis congenita. Identifiers: Orphanet 1775, MedGen C0265965, MONDO:0015780.

gnomAD v4.1: 3 of 1,604,366 alleles (0.00019%); highest among the groups gnomAD compares: Middle Eastern, 0.017%; no homozygotes.

Submission:

Labcorp Genetics (formerly Invitae), Labcorp
Classification: Uncertain significance for Dyskeratosis congenita. Last evaluated: 2024-02-27. Review status: criteria provided, single submitter. Criteria: Invitae Variant Classification Sherloc (09022015). Collection method: clinical testing. Allele origin: germline.
Comment: This sequence change replaces leucine, which is neutral and non-polar, with phenylalanine, which is neutral and non-polar, at codon 529 of the CTC1 protein (p.Leu529Phe). This variant is present in population databases (rs201560353, gnomAD 0.003%). This variant has not been reported in the literature in individuals affected with CTC1-related conditions. ClinVar contains an entry for this variant (Variation ID: 1425497). Advanced modeling of protein sequence and biophysical properties (such as structural, functional, and spatial information, amino acid conservation, physicochemical variation, residue mobility, and thermodynamic stability) performed at Invitae indicates that this missense variant is not expected to disrupt CTC1 protein function with a negative predictive value of 80%. In summary, the available evidence is currently insufficient to determine the role of this variant in disease. Therefore, it has been classified as a Variant of Uncertain Significance.

NM_025099.6(CTC1):c.1585C>T (p.Leu529Phe)

Gene: CTC1 (CST telomere replication complex component 1; minus strand). Cytogenetic location: 17p13.1.
Variant type: single nucleotide variant.
Coding change: c.1585C>T on transcript NM_025099.6 (MANE Select); coding-DNA position 1585, C replaced by T.
Protein change: p.Leu529Phe; replaces leucine 529 with phenylalanine.
Molecular consequence: missense variant. On other transcripts: non-coding transcript variant (1).
Genome position (GRCh38, 1-based): chr17:8,234,781, G>A on the plus strand (C>T on the coding strand, the complement: CTC1 is on the minus strand). VCF-style: chr17-8234781-G-A. GRCh37 (hg19) VCF-style: chr17-8138099-G-A.
Other names: short protein forms L529F.
Identifiers: ClinVar variation 1425497 (VCV001425497.8), dbSNP rs201560353, ClinGen allele CA8372309.